The following is an entry in ClinVar:

NM_000051.4(ATM):c.4095_4096insCT (p.Cys1366fs)

Gene: ATM (ATM serine/threonine kinase; plus strand). Cytogenetic location: 11q22.3.
Variant type: Insertion.
Coding change: c.4095_4096insCT on transcript NM_000051.4 (MANE Select); coding-DNA positions 4095 to 4096, CT inserted.
Protein change: p.Cys1366fs; shifts the reading frame from cysteine 1366.
Molecular consequence: frameshift variant.
Genome position: GRCh38 VCF-style: chr11-108287701-C-CCT. GRCh37 (hg19) VCF-style: chr11-108158428-C-CCT.
Other names: c.4095_4096insCT, p.Cys1366fs (NM_001351834.2); short protein forms C1366fs.
Identifiers: ClinVar variation 3148347 (VCV003148347.1), dbSNP rs2546898854, ClinGen allele CA2825001696.

ClinVar aggregate classification (germline): Pathogenic (1 of 4 stars; one submission).

Conditions:
Familial cancer of breast. Also called: BREAST CANCER, FAMILIAL; Hereditary breast cancer; hereditary breast carcinoma. Identifiers: Orphanet 227535, MedGen C0346153, MONDO:0016419, OMIM 114480. Disease mechanism: loss of function.

Submission:

Myriad Genetics, Inc.
Classification: Pathogenic for Familial cancer of breast. Last evaluated: 2024-01-23. Review status: criteria provided, single submitter. Criteria: Myriad Autosomal Dominant, Autosomal Recessive and X-Linked Classification Criteria (2023). Collection method: clinical testing. Allele origin: unknown.
Comment: This variant is considered pathogenic. This variant creates a frameshift predicted to result in premature protein truncation.